The following is an entry in ClinVar:

NM_000090.4(COL3A1):c.4254+4G>C

Gene: COL3A1 (collagen type III alpha 1 chain; plus strand). Cytogenetic location: 2q32.2.
Variant type: single nucleotide variant.
Coding change: c.4254+4G>C on transcript NM_000090.4 (MANE Select); 4 bases into the intron after coding-DNA position 4254, G replaced by C.
Molecular consequence: intron variant.
Genome position (GRCh38, 1-based): chr2:189,010,894, G>C. VCF-style: chr2-189010894-G-C. GRCh37 (hg19) VCF-style: chr2-189875620-G-C.
Identifiers: ClinVar variation 4732182 (VCV004732182.1).

ClinVar aggregate classification (germline): Uncertain significance (1 of 4 stars; one submission).

Conditions:
Ehlers-Danlos syndrome, type 4 (EDSVASC). Also called: Ehlers-Danlos syndrome vascular type; Ehlers Danlos syndrome, ecchymotic type; Ehlers Danlos syndrome, arterial type; Ehlers Danlos syndrome, Sack-Barabas type; Ehlers-Danlos Syndrome Type IV. Identifiers: Orphanet 286, MedGen C0268338, MONDO:0017314, OMIM 130050.

Submission:

Labcorp Genetics (formerly Invitae), Labcorp
Classification: Uncertain significance for Ehlers-Danlos syndrome, type 4. Last evaluated: 2025-11-28. Review status: criteria provided, single submitter. Criteria: Invitae Variant Classification Sherloc (09022015). Collection method: clinical testing. Allele origin: germline.
Comment: This sequence change falls in intron 50 of the COL3A1 gene. It does not directly change the encoded amino acid sequence of the COL3A1 protein. It affects a nucleotide within the consensus splice site. This variant is not present in population databases (gnomAD no frequency). This variant has not been reported in the literature in individuals affected with COL3A1-related conditions. Variants that disrupt the consensus splice site are a relatively common cause of aberrant splicing (PMID: 17576681, 9536098). Algorithms developed to predict the effect of sequence changes on RNA splicing suggest that this variant is not likely to affect RNA splicing. In summary, the available evidence is currently insufficient to determine the role of this variant in disease. Therefore, it has been classified as a Variant of Uncertain Significance.

Literature cited by the submitters: PubMed 17576681; PubMed 9536098.